The following is an entry in ClinVar:

NM_000053.4(ATP7B):c.2133del (p.Trp712fs)

Gene: ATP7B (ATPase copper transporting beta; minus strand). Cytogenetic location: 13q14.3.
Variant type: Deletion.
Coding change: c.2133del on transcript NM_000053.4 (MANE Select); coding-DNA position 2133, one base deleted (G; older notation c.2133delG).
Protein change: p.Trp712fs; shifts the reading frame from tryptophan 712.
Molecular consequence: frameshift variant. On other transcripts: intron variant (2).
Genome position (GRCh38, 1-based): chr13:51,958,533, C deleted on the plus strand (G on the coding strand, the reverse complement: ATP7B is on the minus strand); the first of 3 consecutive C bases (chr13:51,958,533-51,958,535); deleting any one gives the same sequence. VCF-style (leftmost placement, unchanged base first): chr13-51958532-AC-A. GRCh37 (hg19) VCF-style: chr13-52532668-AC-A.
Other names: c.1800del, p.Trp601fs (NM_001243182.2); c.1881del, p.Trp628fs (NM_001330579.2); c.2131delG, p.Trp712Glyfs (NM_001406511.1, NM_001406512.1, NM_001406513.1 and 7 more transcripts); c.2098delG, p.Trp701Glyfs (NM_001406514.1); c.2035delG, p.Trp680Glyfs (NM_001406517.1, NM_001406518.1); c.1879delG, p.Trp628Glyfs (NM_001406531.1, NM_001406532.1, NM_001406540.1); c.1702delG, p.Trp569Glyfs (NM_001406539.1); c.1783delG, p.Trp596Glyfs (NM_001406543.1); and 2 more; short protein forms W712fs, W601fs, W628fs.
Identifiers: ClinVar variation 2051672 (VCV002051672.4), dbSNP rs2547716554, ClinGen allele CA2580087672.

ClinVar aggregate classification (germline): Pathogenic (1 of 4 stars; one submission).

Conditions:
Wilson disease (WND). Also called: Wilson's disease. Identifiers: Orphanet 905, MedGen C0019202, MONDO:0010200, OMIM 277900. Disease mechanism: loss of function.

Submission:

Labcorp Genetics (formerly Invitae), Labcorp
Classification: Pathogenic for Wilson disease. Last evaluated: 2021-12-22. Review status: criteria provided, single submitter. Criteria: Invitae Variant Classification Sherloc (09022015). Collection method: clinical testing. Allele origin: germline.
Comment: For these reasons, this variant has been classified as Pathogenic. This variant has not been reported in the literature in individuals affected with ATP7B-related conditions. This variant is not present in population databases (gnomAD no frequency). This sequence change creates a premature translational stop signal (p.Trp712Glyfs*11) in the ATP7B gene. It is expected to result in an absent or disrupted protein product. Loss-of-function variants in ATP7B are known to be pathogenic (PMID: 10441329, 16283883).

Literature cited by the submitters: PubMed 10441329; PubMed 16283883.